The following is an entry in ClinVar:

ClinVar aggregate classification (germline): Uncertain significance (1 of 4 stars; one submission).

Conditions:
Hereditary cancer-predisposing syndrome. Also called: Neoplastic Syndromes, Hereditary; Tumor predisposition; Hereditary neoplastic syndrome; Hereditary Cancer Syndrome. Identifiers: Orphanet 140162, MedGen C0027672, MeSH D009386, MONDO:0015356.

gnomAD v4.1: 3 of 1,613,664 alleles (0.00019%); highest among the groups gnomAD compares: Non-Finnish European, 0.00017%; no homozygotes.

Submission:

Labcorp Genetics (formerly Invitae), Labcorp
Classification: Uncertain significance for Hereditary cancer-predisposing syndrome. Last evaluated: 2024-09-12. Review status: criteria provided, single submitter. Criteria: Invitae Variant Classification Sherloc (09022015). Collection method: clinical testing. Allele origin: germline.
Comment: This sequence change replaces arginine, which is basic and polar, with lysine, which is basic and polar, at codon 797 of the RAD50 protein (p.Arg797Lys). This variant is not present in population databases (gnomAD no frequency). This variant has not been reported in the literature in individuals affected with RAD50-related conditions. ClinVar contains an entry for this variant (Variation ID: 1368128). Invitae Evidence Modeling of protein sequence and biophysical properties (such as structural, functional, and spatial information, amino acid conservation, physicochemical variation, residue mobility, and thermodynamic stability) indicates that this missense variant is not expected to disrupt RAD50 protein function with a negative predictive value of 80%. In summary, the available evidence is currently insufficient to determine the role of this variant in disease. Therefore, it has been classified as a Variant of Uncertain Significance.

NM_005732.4(RAD50):c.2390G>A (p.Arg797Lys)

Gene: RAD50 (RAD50 double strand break repair protein; plus strand). Cytogenetic location: 5q31.1.
Variant type: single nucleotide variant.
Coding change: c.2390G>A on transcript NM_005732.4 (MANE Select); coding-DNA position 2390, G replaced by A.
Protein change: p.Arg797Lys; replaces arginine 797 with lysine.
Molecular consequence: missense variant.
Genome position (GRCh38, 1-based): chr5:132,603,482, G>A. VCF-style: chr5-132603482-G-A. GRCh37 (hg19) VCF-style: chr5-131939174-G-A.
Other names: short protein forms R797K.
Identifiers: ClinVar variation 1368128 (VCV001368128.8), dbSNP rs2149847058, ClinGen allele CA360955095.
Genomic context (GRCh38, chr5:132,603,482, plus strand): 5'-CAATAATGCCTGAAGAAGAAAGTGCCAAAGTATGCCTGACAGATGTTACAATTATGGAGA[G>A]GTTCCAGGTAAGTTTATTGTAGTTTAAGGCAGAATAAAACTTGTTCCATGGTGGCTTGAA-3'
Protein context (NP_005723.2, residues 787-807): VCLTDVTIME[Arg797Lys]FQMELKDVER